The following is an entry in ClinVar:

ClinVar aggregate classification (germline): Benign. Review status: criteria provided, multiple submitters, no conflicts (2 of 4 stars). 2 submissions from 2 submitters: Benign (2). Last evaluated 2018-01-12.

Conditions:
Familial cold autoinflammatory syndrome 2 (FCAS2). Identifiers: Orphanet 247868, MedGen C2673198, MONDO:0012724, OMIM 611762.

Allele frequency attached by ClinVar (database versions not stated): 1000 Genomes Project 0.00040; 1000 Genomes Project 30x 0.00062; gnomAD 0.00077; TOPMed 0.00123.
gnomAD v4.1: 355 of 645,622 alleles (0.055%); highest among the groups gnomAD compares: African/African-American, 0.29%; 2 homozygotes.

Submissions (2):

Illumina Laboratory Services, Illumina
Classification: Benign for Familial cold autoinflammatory syndrome 2. Last evaluated: 2018-01-12. Review status: criteria provided, single submitter. Criteria: ICSL Variant Classification Criteria 13 December 2019. Collection method: clinical testing. Allele origin: germline.
Comment: This variant was observed in the ICSL laboratory as part of a predisposition screen in an ostensibly healthy population. It had not been previously curated by ICSL or reported in the Human Gene Mutation Database (HGMD: prior to June 1st, 2018), and was therefore a candidate for classification through an automated scoring system. Utilizing variant allele frequency, disease prevalence and penetrance estimates, and inheritance mode, an automated score was calculated to assess if this variant is too frequent to cause the disease. Based on the score and internal cut-off values, a variant classified as benign is not then subjected to further curation. The score for this variant resulted in a classification of benign for this disease.

Breakthrough Genomics
Classification: Benign. Review status: criteria provided, single submitter. Criteria: ACMG Guidelines, 2015. Collection method: not provided. Allele origin: germline. Inheritance: Autosomal dominant inheritance. Affected: yes.

NM_144687.4(NLRP12):c.*205G>A

Gene: NLRP12 (NLR family pyrin domain containing 12; minus strand). Cytogenetic location: 19q13.42.
Variant type: single nucleotide variant.
Coding change: c.*205G>A on transcript NM_144687.4 (MANE Select); 205 bases downstream of the stop codon, G replaced by A.
Molecular consequence: 3 prime UTR variant.
Genome position (GRCh38, 1-based): chr19:53,793,844, C>T on the plus strand (G>A on the coding strand, the complement: NLRP12 is on the minus strand). VCF-style: chr19-53793844-C-T. GRCh37 (hg19) VCF-style: chr19-54297098-C-T.
Other names: c.*205G>A (NM_001277126.2, NM_001277129.1).
Identifiers: ClinVar variation 329991 (VCV000329991.6), dbSNP rs564145946, ClinGen allele CA10643164.